The following is an entry in ClinVar:

NM_001005361.3(DNM2):c.1570G>C (p.Gly524Arg)

Gene: DNM2 (dynamin 2; plus strand). Cytogenetic location: 19p13.2.
Variant type: single nucleotide variant.
Coding change: c.1570G>C on transcript NM_001005361.3 (MANE Select); coding-DNA position 1570, G replaced by C.
Protein change: p.Gly524Arg; replaces glycine 524 with arginine.
Molecular consequence: missense variant.
Genome position (GRCh38, 1-based): chr19:10,812,276, G>C. VCF-style: chr19-10812276-G-C. GRCh37 (hg19) VCF-style: chr19-10922952-G-C.
Other names: c.1570G>C, p.Gly524Arg (NM_001005360.3, NM_001190716.2); c.1558G>C, p.Gly520Arg (NM_001005362.3, NM_004945.4); short protein forms G520R, G524R.
Identifiers: ClinVar variation 2974709 (VCV002974709.3), dbSNP rs2513304252, ClinGen allele CA404039387.
Genomic context (GRCh38, chr19:10,812,276, plus strand): 5'-CTGGGGCACGGAGCGAGGTTCCCTGCTAAGCTGCGCGCTTTCCCCCAGGTGATCCGCAGG[G>C]GCTGGCTGACCATCAACAACATCAGCCTGATGAAAGGCGGCTCCAAGGAGTACTGGTTTG-3'
Protein context (NP_001005361.1, residues 514-534): NQGEILVIRR[Gly524Arg]WLTINNISLM

ClinVar aggregate classification (germline): Uncertain significance (1 of 4 stars; one submission).

Conditions:
Charcot-Marie-Tooth disease dominant intermediate B (CMTDIB). Also called: Charcot-Marie-Tooth disease dominant intermediate 1; CMT DI1; Charcot-Marie-Tooth disease dominant intermediate I; CHARCOT-MARIE-TOOTH NEUROPATHY, DOMINANT INTERMEDIATE B. Identifiers: Orphanet 100044, Orphanet 228179, MedGen C1847902, MONDO:0011674, OMIM 606482.

Submission:

Labcorp Genetics (formerly Invitae), Labcorp
Classification: Uncertain significance for Charcot-Marie-Tooth disease dominant intermediate B. Last evaluated: 2023-11-01. Review status: criteria provided, single submitter. Criteria: Invitae Variant Classification Sherloc (09022015). Collection method: clinical testing. Allele origin: germline.
Comment: This sequence change replaces glycine, which is neutral and non-polar, with arginine, which is basic and polar, at codon 524 of the DNM2 protein (p.Gly524Arg). This variant is not present in population databases (gnomAD no frequency). This variant has not been reported in the literature in individuals affected with DNM2-related conditions. Advanced modeling of protein sequence and biophysical properties (such as structural, functional, and spatial information, amino acid conservation, physicochemical variation, residue mobility, and thermodynamic stability) has been performed at Invitae for this missense variant, however the output from this modeling did not meet the statistical confidence thresholds required to predict the impact of this variant on DNM2 protein function. In summary, the available evidence is currently insufficient to determine the role of this variant in disease. Therefore, it has been classified as a Variant of Uncertain Significance.